The following is an entry in ClinVar:

ClinVar aggregate classification (germline): Uncertain significance (0 of 4 stars; one submission).

Conditions:
Dilated cardiomyopathy 1DD (CMD1DD). Identifiers: Orphanet 154, MedGen C2750995, MONDO:0013168, OMIM 613172.

Submission:

Evolutionary and Medical Genetics Laboratory,  Centre for Cellular and Molecular Biology
Classification: Uncertain significance. Review status: no assertion criteria provided. Collection method: not provided. Allele origin: unknown.
ClinVar note: Converted during submission from unknown to Uncertain significance.

NM_001276345.2(TNNT2):c.858G>A (p.Lys286=)

Gene: TNNT2 (troponin T2, cardiac type; minus strand). Cytogenetic location: 1q32.1.
Variant type: single nucleotide variant.
Coding change: c.858G>A on transcript NM_001276345.2 (MANE Select); coding-DNA position 858, G replaced by A.
Protein change: p.Lys286=; no amino-acid change (lysine 286 retained).
Molecular consequence: synonymous variant.
Genome position (GRCh38, 1-based): chr1:201,359,249, C>T on the plus strand (G>A on the coding strand, the complement: TNNT2 is on the minus strand). VCF-style: chr1-201359249-C-T. GRCh37 (hg19) VCF-style: chr1-201328377-C-T.
Other names: K276(Synonymousmutation); c.849G>A, p.Lys283= (NM_000364.4); c.828G>A, p.Lys276= (NM_001001430.3, NM_001276347.2); c.819G>A, p.Lys273= (NM_001001431.3); c.810G>A, p.Lys270= (NM_001001432.3); c.729G>A, p.Lys243= (NM_001276346.2).
Identifiers: ClinVar variation 132939 (VCV000132939.2), dbSNP rs483352836, ClinGen allele CA005239.
Genomic context (GRCh38, chr1:201,359,249, plus strand): 5'-TTTGGTGAAGGAGGCCAGGCTCTATTTCCAGCGCCCGGTGACTTTAGCCTTCCCGCGGGT[C>T]TTGGAGCTGCAGGGGAAGCAGGACGCAGTGACATGGAGACACAGGCAGGGTAGTAGGTCA-3'
Protein context (NP_001263274.1, residues 276-296): NRINDNQKVS[Lys286=]TRGKAKVTGR